The following is an entry in ClinVar:

NM_003738.5(PTCH2):c.3301C>T (p.Leu1101Phe)

Gene: PTCH2 (patched 2; minus strand). Cytogenetic location: 1p34.1.
Variant type: single nucleotide variant.
Coding change: c.3301C>T on transcript NM_003738.5 (MANE Select); coding-DNA position 3301, C replaced by T.
Protein change: p.Leu1101Phe; replaces leucine 1101 with phenylalanine.
Molecular consequence: missense variant.
Genome position (GRCh38, 1-based): chr1:44,823,125, G>A on the plus strand (C>T on the coding strand, the complement: PTCH2 is on the minus strand). VCF-style: chr1-44823125-G-A. GRCh37 (hg19) VCF-style: chr1-45288797-G-A.
Other names: c.3301C>T, p.Leu1101Phe (NM_001166292.2); short protein forms L1101F.
Identifiers: ClinVar variation 2964983 (VCV002964983.4), dbSNP rs946300110, ClinGen allele CA21805537.

ClinVar aggregate classification (germline): Uncertain significance. Review status: criteria provided, multiple submitters, no conflicts (2 of 4 stars). 2 submissions from 2 submitters: Uncertain significance (2). Last evaluated 2026-08-06.

Conditions:
Medulloblastoma (MDB). Also called: Medulloblastoma, somatic; MEDULLOBLASTOMA PREDISPOSITION SYNDROME. Identifiers: Orphanet 616, MedGen C0025149, MeSH D008527, MONDO:0007959, OMIM 155255, HP:0002885.
Gorlin syndrome. Also called: Basal cell nevus syndrome; Nevoid Basal Cell Carcinoma Syndrome. Identifiers: Orphanet 377, MedGen C0004779, MONDO:0007187.

Allele frequency attached by ClinVar (database versions not stated): gnomAD exomes below 0.00001; gnomAD 0.00002; TOPMed 0.00003.
gnomAD v4.1: 5 of 1,613,924 alleles (0.00031%); highest among the groups gnomAD compares: African/African-American, 0.0067%; no homozygotes.

Submissions (2):

OLLIN Analises Genomicas, OLLIN
Classification: Uncertain significance for Medulloblastoma. Last evaluated: 2026-08-06. Review status: criteria provided, single submitter. Criteria: ACMG Guidelines 2015 PMID 25741868. Collection method: clinical testing. Allele origin: germline.
Comment: This missense variant, located in exon 21 (of 22), has been reported in ClinVar (accession VCV002964983.3) and in gnomAD with an allele frequency of 0.00031%. However, to our knowledge, it has not been reported in the scientific literature. In silico analysis predicts that this variant has a deleterious effect. According to the currently available evidence, this variant has been classified as uncertain significance (PP3).

Labcorp Genetics (formerly Invitae), Labcorp
Classification: Uncertain significance for Gorlin syndrome. Last evaluated: 2023-06-09. Review status: criteria provided, single submitter. Criteria: Invitae Variant Classification Sherloc (09022015). Collection method: clinical testing. Allele origin: germline.
Comment: This variant is present in population databases (no rsID available, gnomAD 0.01%). This sequence change replaces leucine, which is neutral and non-polar, with phenylalanine, which is neutral and non-polar, at codon 1101 of the PTCH2 protein (p.Leu1101Phe). This variant has not been reported in the literature in individuals affected with PTCH2-related conditions. Advanced modeling of protein sequence and biophysical properties (such as structural, functional, and spatial information, amino acid conservation, physicochemical variation, residue mobility, and thermodynamic stability) performed at Invitae indicates that this missense variant is not expected to disrupt PTCH2 protein function. In summary, the available evidence is currently insufficient to determine the role of this variant in disease. Therefore, it has been classified as a Variant of Uncertain Significance.